The following is an entry in ClinVar:

ClinVar aggregate classification (germline): Conflicting classifications of pathogenicity. Review status: criteria provided, conflicting classifications (1 of 4 stars). 4 submissions from 3 submitters: Uncertain significance (2); Benign (1); Likely benign (1). Last evaluated 2024-12-09.

Conditions:
Autosomal recessive nonsyndromic hearing loss 21. Identifiers: Orphanet 90636, MedGen C1863655, MONDO:0011351, OMIM 603629.
Autosomal dominant nonsyndromic hearing loss 12. Also called: DEAFNESS, AUTOSOMAL DOMINANT 8. Identifiers: Orphanet 90635, MedGen C1832187, MONDO:0011102, OMIM 601543.

Allele frequency attached by ClinVar (database versions not stated): gnomAD exomes 0.00006 and 0.00028; gnomAD 0.00009 and 0.00010; ExAC 0.00027; TOPMed 0.00027; 1000 Genomes Project 30x 0.00031; 1000 Genomes Project 0.00040.
gnomAD v4.1: 109 of 1,614,074 alleles (0.0068%); highest among the groups gnomAD compares: East Asian, 0.22%; no homozygotes.

Submissions (4):

Labcorp Genetics (formerly Invitae), Labcorp
Classification: Benign. Last evaluated: 2024-12-09. Review status: criteria provided, single submitter. Criteria: Invitae Variant Classification Sherloc (09022015). Collection method: clinical testing. Allele origin: germline.

Illumina Laboratory Services, Illumina
Classification: Uncertain significance for Autosomal recessive nonsyndromic hearing loss 21. Last evaluated: 2018-01-13. Review status: criteria provided, single submitter. Criteria: ICSL Variant Classification Criteria 13 December 2019. Collection method: clinical testing. Allele origin: germline.

Illumina Laboratory Services, Illumina
Classification: Likely benign for Autosomal dominant nonsyndromic hearing loss 12. Last evaluated: 2018-01-13. Review status: criteria provided, single submitter. Criteria: ICSL Variant Classification Criteria 13 December 2019. Collection method: clinical testing. Allele origin: germline.
Comment: This variant was observed in the ICSL laboratory as part of a predisposition screen in an ostensibly healthy population. It had not been previously curated by ICSL or reported in the Human Gene Mutation Database (HGMD: prior to June 1st, 2018), and was therefore a candidate for classification through an automated scoring system. Utilizing variant allele frequency, disease prevalence and penetrance estimates, and inheritance mode, an automated score was calculated to assess if this variant is too frequent to cause the disease. Based on the score and internal cut-off values, a variant classified as likely benign is not then subjected to further curation. The score for this variant resulted in a classification of likely benign for this disease.

Laboratory for Molecular Medicine, Mass General Brigham Personalized Medicine
Classification: Uncertain significance. Last evaluated: 2014-06-27. Review status: criteria provided, single submitter. Criteria: LMM Criteria. Collection method: clinical testing. Allele origin: germline. Observed: 1 variant allele.
Comment: Variant classified as Uncertain Significance - Favor Benign. The 65-14A>G varian t in TECTA has not been previously reported in individuals with hearing loss, bu t has been identified in 1/194 of Chinese Han chromosomes by the 1000 Genomes Pr oject (dbSNP rs201171064). Although this variant has been seen in the general po pulation, its frequency is not high enough to rule out a pathogenic role. This v ariant is located in the 3' splice region. Computational tools do not suggest an impact to splicing. However, this information is not predictive enough to rule out pathogenicity. In summary, while the clinical significance of the 65-14A>G v ariant is uncertain, the computational data suggest that it is more likely to be benign.

NM_005422.4(TECTA):c.65-14A>G

Genes: TECTA (tectorin alpha; plus strand), TBCEL-TECTA (TBCEL-TECTA readthrough; plus strand). Cytogenetic location: 11q23.3.
Variant type: single nucleotide variant.
Coding change: c.65-14A>G on transcript NM_005422.4 (MANE Select); 14 bases into the intron before coding-DNA position 65, A replaced by G.
Molecular consequence: intron variant.
Genome position (GRCh38, 1-based): chr11:121,105,817, A>G. VCF-style: chr11-121105817-A-G. GRCh37 (hg19) VCF-style: chr11-120976526-A-G.
Other names: c.1022-14A>G (NM_001378761.1).
Identifiers: ClinVar variation 179842 (VCV000179842.16), dbSNP rs201171064, ClinGen allele CA185249.
Genomic context (GRCh38, chr11:121,105,817, plus strand): 5'-GTAGGTAGGAGAGATGTAGATTGCCAAACGGCAGAGGGAGCTGCCATCTATCTAACCATC[A>G]TCTCTCTTGACAGCTCAGCCCAGGGAGCTCATGTATCCATTTTGGCAGAATGACACCAAA-3'